The following is an entry in ClinVar:

ClinVar aggregate classification (germline): Uncertain significance (1 of 4 stars; one submission).

Conditions:
CIC-related disorder. Also called: CIC-related condition.

Allele frequency attached by ClinVar (database versions not stated): gnomAD exomes below 0.00001.
gnomAD v4.1: 2 of 1,601,396 alleles (0.00012%); highest among the groups gnomAD compares: Non-Finnish European, 0.00017%; no homozygotes.

Submission:

PreventionGenetics, part of Exact Sciences
Classification: Uncertain significance for CIC-related condition. Last evaluated: 2023-08-29. Review status: criteria provided, single submitter. Criteria: ACMG Guidelines, 2015. Collection method: clinical testing. Allele origin: germline.
Comment: The CIC c.3707C>G variant is predicted to result in the amino acid substitution p.Pro1236Arg. To our knowledge, this variant has not been reported in the literature or in a large population database, indicating this variant is rare. At this time, the clinical significance of this variant is uncertain due to the absence of conclusive functional and genetic evidence.

NM_001386298.1(CIC):c.6434C>G (p.Pro2145Arg)

Gene: CIC (capicua transcriptional repressor; plus strand). Cytogenetic location: 19q13.2.
Variant type: single nucleotide variant.
Coding change: c.6434C>G on transcript NM_001386298.1 (MANE Select); coding-DNA position 6434, C replaced by G.
Protein change: p.Pro2145Arg; replaces proline 2145 with arginine.
Molecular consequence: missense variant.
Genome position (GRCh38, 1-based): chr19:42,293,193, C>G. VCF-style: chr19-42293193-C-G. GRCh37 (hg19) VCF-style: chr19-42797345-C-G.
Other names: c.6434C>G, p.Pro2145Arg (NM_001304815.2, NM_001379482.1, NM_001379483.1); c.6431C>G, p.Pro2144Arg (NM_001379480.1); c.3707C>G, p.Pro1236Arg (NM_001379484.1, NM_001379485.1, NM_015125.5); short protein forms P1236R, P2144R, P2145R.
Identifiers: ClinVar variation 2628609 (VCV002628609.1), dbSNP rs1363899986, ClinGen allele CA406118096.